The following is an entry in ClinVar:

NM_000094.4(COL7A1):c.6022C>T (p.Arg2008Cys)

Gene: COL7A1 (collagen type VII alpha 1 chain; minus strand). Cytogenetic location: 3p21.31.
Variant type: single nucleotide variant.
Coding change: c.6022C>T on transcript NM_000094.4 (MANE Select); coding-DNA position 6022, C replaced by T.
Protein change: p.Arg2008Cys; replaces arginine 2008 with cysteine.
Molecular consequence: missense variant.
Genome position (GRCh38, 1-based): chr3:48,575,497, G>A on the plus strand (C>T on the coding strand, the complement: COL7A1 is on the minus strand). VCF-style: chr3-48575497-G-A. GRCh37 (hg19) VCF-style: chr3-48612930-G-A.
Other names: short protein forms R2008C.
Identifiers: ClinVar variation 522791 (VCV000522791.40), dbSNP rs1055680335, ClinGen allele CA352663824.

ClinVar aggregate classification (germline): Pathogenic/Likely pathogenic. Review status: criteria provided, multiple submitters, no conflicts (2 of 4 stars). 11 submissions from 11 submitters: Pathogenic (9); Likely pathogenic (1). 1 of the submissions does not count toward it. Last evaluated 2025-03-17.

Conditions:
Recessive dystrophic epidermolysis bullosa (RDEB). Also called: epidermolysis bullosa dystrophica, autosomal recessive; Hallopeau-Siemens Disease; EPIDERMOLYSIS BULLOSA DYSTROPHICA, GENERALIZED SEVERE, AUTOSOMAL RECESSIVE; Epidermolysis Bullosa Distrophica Autosomal Recessive (RDEB); Recessive DEB (RDEB); severe generalized recessive dystrophic epidermolysis bullosa. Identifiers: Orphanet 79408, Orphanet 79409, MedGen C0079474, MONDO:0009179, OMIM 226600.
Pretibial dystrophic epidermolysis bullosa. Also called: EPIDERMOLYSIS BULLOSA DYSTROPHICA, PRETIBIAL; Pretibial blistering; Pretibial epidermolysis bullosa. Identifiers: Orphanet 79410, MedGen C0432321, MONDO:0007552, OMIM 131850, HP:0012221.
Dominant dystrophic epidermolysis bullosa with absence of skin. Also called: EPIDERMOLYSIS BULLOSA WITH CONGENITAL LOCALIZED ABSENCE OF SKIN AND DEFORMITY OF NAILS; EPIDERMOLYSIS BULLOSA DYSTROPHICA, BART TYPE. Identifiers: MedGen C0268371, MONDO:0007557, OMIM 132000.
Epidermolysis bullosa pruriginosa. Also called: DEB, PRURIGINOSA; DYSTROPHIC EPIDERMOLYSIS BULLOSA PRURIGINOSA. Identifiers: Orphanet 89843, MedGen C1275114, MONDO:0011398, OMIM 604129.
Generalized dominant dystrophic epidermolysis bullosa (DDEB). Also called: Dominant DEB (DDEB); DDEB, generalized; DDEB-gen; DYSTROPHIC EPIDERMOLYSIS BULLOSA, AUTOSOMAL DOMINANT; Epidermolysis bullosa dystrophica, autosomal dominant. Identifiers: Orphanet 231568, MedGen C0432322, MONDO:0007549, OMIM 131750.
Transient bullous dermolysis of the newborn (TBDN). Also called: EPIDERMOLYSIS BULLOSA DYSTROPHICA, NEONATAL FORM; DYSTROPHIC EPIDERMOLYSIS BULLOSA, NEONATAL. Identifiers: Orphanet 79411, MedGen C1851573, MONDO:0007548, OMIM 131705.
Nonsyndromic congenital nail disorder 8. Also called: TOENAIL DYSTROPHY, ISOLATED. Identifiers: MedGen C1843761, MONDO:0011852, OMIM 607523.
Epidermolysis bullosa dystrophica. Also called: Dystrophic epidermolysis bullosa, Hallopeau-Siemens type (formerly); Dystrophic epidermolysis bullosa. Identifiers: Orphanet 303, MedGen C0079294, MONDO:0006543.

Allele frequency attached by ClinVar (database versions not stated): gnomAD exomes below 0.00001; TOPMed 0.00001.

Submissions (11):

Natera, Inc.
Classification: Pathogenic for Dystrophic epidermolysis bullosa. Last evaluated: 2025-03-17. Review status: criteria provided, single submitter. Criteria: Natera Variant Classification Schema (03/2026). Collection method: clinical testing. Allele origin: germline.
Comment: The c.6022C>T variant in COL7A1 is a missense variant predicted to cause substitution of arginine to cysteine at amino acid 2008. This variant is rare in the general population with a frequency below the threshold expected for the associated phenotype(s). This variant has been observed in one or more individuals affected with the associated recessive disease, as either homozygous or compound heterozygous with a second variant (PMID: 29364557, 16271705, 34008892, 20184583). Given the available evidence, this variant is classified as Pathogenic.

Labcorp Genetics (formerly Invitae), Labcorp
Classification: Pathogenic. Last evaluated: 2024-12-14. Review status: criteria provided, single submitter. Criteria: Invitae Variant Classification Sherloc (09022015). Collection method: clinical testing. Allele origin: germline.
Comment: This sequence change replaces arginine, which is basic and polar, with cysteine, which is neutral and slightly polar, at codon 2008 of the COL7A1 protein (p.Arg2008Cys). The frequency data for this variant in the population databases is considered unreliable, as metrics indicate poor data quality at this position in the gnomAD database. This missense change has been observed in individual(s) with dystrophic epidermolysis bullosa (PMID: 9740253, 10084325, 15888141, 16271705, 20184583). In at least one individual the data is consistent with being in trans (on the opposite chromosome) from a pathogenic variant. ClinVar contains an entry for this variant (Variation ID: 522791). Invitae Evidence Modeling of protein sequence and biophysical properties (such as structural, functional, and spatial information, amino acid conservation, physicochemical variation, residue mobility, and thermodynamic stability) has been performed for this missense variant. However, the output from this modeling did not meet the statistical confidence thresholds required to predict the impact of this variant on COL7A1 protein function. This variant disrupts the p.Arg2008 amino acid residue in COL7A1. Other variant(s) that disrupt this residue have been determined to be pathogenic (PMID: 9326325, 10084325, 10504458). This suggests that this residue is clinically significant, and that variants that disrupt this residue are likely to be disease-causing. For these reasons, this variant has been classified as Pathogenic.

Fulgent Genetics
Classification: Pathogenic for Transient bullous dermolysis of the newborn; Generalized dominant dystrophic epidermolysis bullosa; Pretibial dystrophic epidermolysis bullosa; Dominant dystrophic epidermolysis bullosa with absence of skin; Recessive dystrophic epidermolysis bullosa; Epidermolysis bullosa pruriginosa; Nonsyndromic congenital nail disorder 8. Last evaluated: 2024-03-17. Review status: criteria provided, single submitter. Criteria: ACMG Guidelines, 2015. Collection method: clinical testing. Allele origin: germline.

GeneDx
Classification: Pathogenic. Last evaluated: 2023-09-11. Review status: criteria provided, single submitter. Criteria: GeneDx Variant Classification Process June 2021. Collection method: clinical testing. Allele origin: germline. Affected: yes.
Comment: Not observed at significant frequency in large population cohorts (gnomAD); In silico analysis supports that this missense variant has a deleterious effect on protein structure/function; This variant is associated with the following publications: (PMID: 10504458, 16271705, 15816848, 10367730, 27498345, 9740253, 34426522, 20184583, 31001817, 15888141, 10084325, 34008892, 35979658, 36578049, 36287101)

Laboratorio de Genetica e Diagnostico Molecular, Hospital Israelita Albert Einstein
Classification: Likely pathogenic for Recessive dystrophic epidermolysis bullosa. Last evaluated: 2022-06-06. Review status: criteria provided, single submitter. Criteria: ACMG Guidelines, 2015. Collection method: clinical testing. Allele origin: germline. Affected: yes. Observed: 1 variant allele.
Comment: ACMG classification criteria: PS4 supporting, PM2 moderated, PM3 strong

Center for Research in Genodermatoses and Epidermolysis Bullosa, University of Buenos Aires
Classification: Pathogenic for Recessive dystrophic epidermolysis bullosa. Last evaluated: 2022-03-14. Review status: criteria provided, single submitter. Criteria: ACMG Guidelines, 2015. Collection method: clinical testing. Allele origin: germline. Affected: yes. Observed: 2 variant alleles, 2 compound heterozygotes.

Laboratory of Medical Genetics, National & Kapodistrian University of Athens
Classification: Pathogenic for Recessive dystrophic epidermolysis bullosa. Last evaluated: 2018-11-09. Review status: criteria provided, single submitter. Criteria: ACMG Guidelines, 2015. Collection method: clinical testing. Allele origin: germline. Affected: yes.
Comment: PM1, PM2, PM5, PP2, PP3, PP5

Genomic Research Center, Shahid Beheshti University of Medical Sciences
Classification: Pathogenic for Epidermolysis bullosa dystrophica. Last evaluated: 2017-12-03. Review status: criteria provided, single submitter. Criteria: ACMG Guidelines, 2015. Collection method: clinical testing. Allele origin: inherited. Affected: yes.

Biomedical Innovation Departament, CIEMAT
Classification: Pathogenic for Dystrophic epidermolysis bullosa. Last evaluated: 2011-03-08. Review status: criteria provided, single submitter. Criteria: ACMG Guidelines, 2015. Collection method: research. Allele origin: germline. Affected: yes. Observed: 2 variant alleles.

Neuberg Centre For Genomic Medicine, NCGM
Classification: Pathogenic for Recessive dystrophic epidermolysis bullosa. Review status: criteria provided, single submitter. Criteria: ACMG Guidelines, 2015. Collection method: clinical testing. Allele origin: germline. Inheritance: Autosomal recessive inheritance. Affected: yes.
Comment: The missense variant p.R2008C in COL7A1 (NM_000094.4) has been reported previously in affected indviduals (Escámez MJ et al,2018). It has been submitted to ClinVar as Pathogenic. Other variants affecting this residue have been reported previously. The p.R2008C variant is observed in 1/1,09,206 (0.0009%) alleles from individuals of European (Non-Finnish) background in gnomAD Exomes and is novel (not in any individuals) in 1000 Genomes.The p.R2008C missense variant is predicted to be damaging by both SIFT and PolyPhen2. The nucleotide c.6022 in COL7A1 is predicted conserved by GERP++ and PhyloP across 100 vertebrates. For these reasons, this variant has been classified as Pathogenic.

Narges Medical Genetic and Prenatal Diagnosis Lab
Classification: Likely pathogenic for Recessive dystrophic epidermolysis bullosa. Review status: no assertion criteria provided. Collection method: clinical testing. Allele origin: germline. Inheritance: Autosomal recessive inheritance. Affected: yes. Observed: 1 homozygote. Not counted in ClinVar's aggregate classification.

Literature cited by the submitters: PubMed 29364557 (cited by Natera, Inc.); PubMed 16271705 (cited by Natera, Inc. and Labcorp Genetics (formerly Invitae), Labcorp); PubMed 34008892 (cited by Natera, Inc.); PubMed 20184583 (cited by Natera, Inc. and Labcorp Genetics (formerly Invitae), Labcorp); PubMed 9740253 (cited by 3 submitters); PubMed 10084325 (cited by Labcorp Genetics (formerly Invitae), Labcorp); PubMed 15888141 (cited by Labcorp Genetics (formerly Invitae), Labcorp); PubMed 9326325 (cited by Labcorp Genetics (formerly Invitae), Labcorp); PubMed 10504458 (cited by Labcorp Genetics (formerly Invitae), Labcorp); PubMed 35979658 (cited by Center for Research in Genodermatoses and Epidermolysis Bullosa, University of Buenos Aires).